The following is an entry in ClinVar:

NM_022042.4(SLC26A1):c.28C>T (p.Gln10Ter)

Genes: IDUA (alpha-L-iduronidase; plus strand), SLC26A1 (solute carrier family 26 member 1; minus strand). Cytogenetic location: 4p16.3.
Variant type: single nucleotide variant.
Coding change: c.28C>T on transcript NM_022042.4 (MANE Select); coding-DNA position 28, C replaced by T.
Protein change: p.Gln10Ter; replaces glutamine 10 with a stop codon.
Molecular consequence: nonsense. On other transcripts: intron variant (1).
Genome position (GRCh38, 1-based): chr4:991,676, G>A on the plus strand (C>T on the coding strand, the complement: SLC26A1 is on the minus strand). VCF-style: chr4-991676-G-A. GRCh37 (hg19) VCF-style: chr4-985464-G-A.
Other names: c.28C>T, p.Gln10Ter (NM_134425.4, NM_213613.4); c.299+3727G>A (NM_000203.5); short protein forms Q10*.
Identifiers: ClinVar variation 3236180 (VCV003236180.2), dbSNP rs1262182436, ClinGen allele CA355958865.

ClinVar aggregate classification (germline): Uncertain significance. Review status: criteria provided, multiple submitters, no conflicts (2 of 4 stars). 2 submissions from 2 submitters: Uncertain significance (2). Last evaluated 2024-02-27.

Conditions:
Hypersulfaturia (HYSULF). Identifiers: MedGen C5830511, MONDO:0957268, OMIM 620372.
Nephrolithiasis susceptibility caused by SLC26A1 (CAON1). Also called: NEPHROLITHIASIS, CALCIUM OXALATE, 1. Identifiers: MedGen C5779632, MONDO:0020722, OMIM 167030.

Allele frequency attached by ClinVar (database versions not stated): TOPMed below 0.00001; gnomAD exomes below 0.00001.
gnomAD v4.1: 2 of 1,534,362 alleles (0.00013%); highest among the groups gnomAD compares: Non-Finnish European, 0.000087%; no homozygotes.

Submissions (2):

Fulgent Genetics
Classification: Uncertain significance for Nephrolithiasis susceptibility caused by SLC26A1; Hypersulfaturia. Last evaluated: 2024-02-27. Review status: criteria provided, single submitter. Criteria: ACMG Guidelines, 2015. Collection method: clinical testing. Allele origin: germline.

MVZ Medizinische Genetik Mainz
Classification: Uncertain significance for Nephrolithiasis susceptibility caused by SLC26A1. Last evaluated: 2023-07-04. Review status: criteria provided, single submitter. Criteria: UK Practice Guidelines For Variant Classification V4 01 2020. Collection method: clinical testing. Allele origin: germline. Inheritance: Autosomal dominant inheritance. Affected: yes. Observed: 1 variant allele.
Comment: ACMG Criteria: PM2_SUP